The following is an entry in ClinVar:

ClinVar aggregate classification (germline): Pathogenic. Review status: criteria provided, single submitter (1 of 4 stars). 2 submissions from 2 submitters: Pathogenic (1). 1 of the submissions does not count toward it. Last evaluated 2024-07-29.

Conditions:
Stargardt disease (FFM). Also called: Stargardt's disease; Fundus flavimaculatus. Identifiers: Orphanet 827, MedGen C0271093, MONDO:0019353.

Allele frequency attached by ClinVar (database versions not stated): TOPMed below 0.00001.

Submissions (2):

Labcorp Genetics (formerly Invitae), Labcorp
Classification: Pathogenic. Last evaluated: 2024-07-29. Review status: criteria provided, single submitter. Criteria: Invitae Variant Classification Sherloc (09022015). Collection method: clinical testing. Allele origin: germline.
Comment: This sequence change replaces glycine, which is neutral and non-polar, with glutamic acid, which is acidic and polar, at codon 1127 of the ABCA4 protein (p.Gly1127Glu). This variant is not present in population databases (gnomAD no frequency). This missense change has been observed in individual(s) with ABCA4-related conditions (PMID: 22229821, 23755871; Invitae). ClinVar contains an entry for this variant (Variation ID: 635981). Advanced modeling of protein sequence and biophysical properties (such as structural, functional, and spatial information, amino acid conservation, physicochemical variation, residue mobility, and thermodynamic stability) performed at Invitae indicates that this missense variant is expected to disrupt ABCA4 protein function with a positive predictive value of 95%. For these reasons, this variant has been classified as Pathogenic.

Department of Clinical Genetics, Copenhagen University Hospital, Rigshospitalet
Classification: Likely pathogenic for Stargardt disease. Last evaluated: 2018-04-01. Review status: no assertion criteria provided. Collection method: research. Allele origin: unknown. Affected: yes. Study: VeluxRD. Not counted in ClinVar's aggregate classification.

Literature cited by the submitters: PubMed 22229821 (cited by Labcorp Genetics (formerly Invitae), Labcorp); PubMed 23755871 (cited by Labcorp Genetics (formerly Invitae), Labcorp); PubMed 30718709 (cited by Department of Clinical Genetics, Copenhagen University Hospital, Rigshospitalet).

NM_000350.3(ABCA4):c.3380G>A (p.Gly1127Glu)

Gene: ABCA4 (ATP binding cassette subfamily A member 4; minus strand). Cytogenetic location: 1p22.1.
Variant type: single nucleotide variant.
Coding change: c.3380G>A on transcript NM_000350.3 (MANE Select); coding-DNA position 3380, G replaced by A.
Protein change: p.Gly1127Glu; replaces glycine 1127 with glutamic acid.
Molecular consequence: missense variant.
Genome position (GRCh38, 1-based): chr1:94,041,351, C>T on the plus strand (G>A on the coding strand, the complement: ABCA4 is on the minus strand). VCF-style: chr1-94041351-C-T. GRCh37 (hg19) VCF-style: chr1-94506907-C-T.
Other names: c.3158G>A, p.Gly1053Glu (NM_001425324.1); short protein forms G1127E, G1053E.
Identifiers: ClinVar variation 635981 (VCV000635981.7), dbSNP rs1570370929, ClinGen allele CA341291128.